The following is an entry in ClinVar:

NM_001171.6(ABCC6):c.121C>G (p.Pro41Ala)

Gene: ABCC6 (ATP binding cassette subfamily C member 6; minus strand). Cytogenetic location: 16p13.11.
Variant type: single nucleotide variant.
Coding change: c.121C>G on transcript NM_001171.6 (MANE Select); coding-DNA position 121, C replaced by G.
Protein change: p.Pro41Ala; replaces proline 41 with alanine.
Molecular consequence: missense variant. On other transcripts: 5 prime UTR variant (1), non-coding transcript variant (4).
Genome position (GRCh38, 1-based): chr16:16,221,747, G>C on the plus strand (C>G on the coding strand, the complement: ABCC6 is on the minus strand). VCF-style: chr16-16221747-G-C. GRCh37 (hg19) VCF-style: chr16-16315604-G-C.
Other names: c.121C>G, p.Pro41Ala (NM_001079528.4, NM_001440309.1, NM_001440310.1); c.-253C>G (NM_001351800.1); short protein forms P41A.
Identifiers: ClinVar variation 4982880 (VCV004982880.1).

ClinVar aggregate classification (germline): Uncertain significance (1 of 4 stars; one submission).

Conditions:
ABCC6-related disorder. Also called: ABCC6-related condition.

Submission:

PreventionGenetics, part of Exact Sciences
Classification: Uncertain significance for ABCC6-related condition. Last evaluated: 2026-07-10. Review status: criteria provided, single submitter. Criteria: ACMG Guidelines, 2015. Collection method: clinical testing. Allele origin: germline.
Comment: The ABCC6 c.121C>G variant is predicted to result in the amino acid substitution p.Pro41Ala. To our knowledge, this variant has not been reported in the literature. This variant is reported in 0.0065% of alleles in individuals of African descent in gnomAD. At this time, the clinical significance of this variant is uncertain due to the absence of conclusive functional and genetic evidence.